The following is an entry in ClinVar:

ClinVar aggregate classification (germline): Uncertain significance. Review status: criteria provided, multiple submitters, no conflicts (2 of 4 stars). 2 submissions from 2 submitters: Uncertain significance (2). Last evaluated 2024-10-19.

Conditions:
Inborn genetic diseases. Identifiers: MedGen C0950123, MeSH D030342.

Allele frequency attached by ClinVar (database versions not stated): gnomAD exomes below 0.00001; gnomAD 0.00001; TOPMed 0.00001.
gnomAD v4.1: 8 of 1,613,264 alleles (0.0005%); highest among the groups gnomAD compares: Non-Finnish European, 0.00059%; no homozygotes.

Submissions (2):

Ambry Genetics
Classification: Uncertain significance for Inborn genetic diseases. Last evaluated: 2024-10-19. Review status: criteria provided, single submitter. Criteria: Ambry Variant Classification Scheme 2023. Collection method: clinical testing. Allele origin: germline.

Labcorp Genetics (formerly Invitae), Labcorp
Classification: Uncertain significance. Last evaluated: 2024-01-02. Review status: criteria provided, single submitter. Criteria: Invitae Variant Classification Sherloc (09022015). Collection method: clinical testing. Allele origin: germline.
Comment: This sequence change replaces glutamine, which is neutral and polar, with histidine, which is basic and polar, at codon 1979 of the LRP2 protein (p.Gln1979His). This variant is not present in population databases (gnomAD no frequency). This variant has not been reported in the literature in individuals affected with LRP2-related conditions. ClinVar contains an entry for this variant (Variation ID: 1921853). Advanced modeling of protein sequence and biophysical properties (such as structural, functional, and spatial information, amino acid conservation, physicochemical variation, residue mobility, and thermodynamic stability) performed at Invitae indicates that this missense variant is not expected to disrupt LRP2 protein function with a negative predictive value of 80%. In summary, the available evidence is currently insufficient to determine the role of this variant in disease. Therefore, it has been classified as a Variant of Uncertain Significance.

NM_004525.3(LRP2):c.5937G>T (p.Gln1979His)

Gene: LRP2 (LDL receptor related protein 2; minus strand). Cytogenetic location: 2q31.1.
Variant type: single nucleotide variant.
Coding change: c.5937G>T on transcript NM_004525.3 (MANE Select); coding-DNA position 5937, G replaced by T.
Protein change: p.Gln1979His; replaces glutamine 1979 with histidine.
Molecular consequence: missense variant.
Genome position (GRCh38, 1-based): chr2:169,213,760, C>A on the plus strand (G>T on the coding strand, the complement: LRP2 is on the minus strand). VCF-style: chr2-169213760-C-A. GRCh37 (hg19) VCF-style: chr2-170070270-C-A.
Other names: c.5937G>T (NM_004525.2); short protein forms Q1979H.
Identifiers: ClinVar variation 1921853 (VCV001921853.4), dbSNP rs1326118659, ClinGen allele CA349133814.